The following is an entry in ClinVar:

ClinVar aggregate classification (germline): Uncertain significance (1 of 4 stars; one submission).

Conditions:
RP1L1-related disorder. Also called: RP1L1-related condition.

gnomAD v4.1: 16 of 1,613,910 alleles (0.00099%); highest among the groups gnomAD compares: Admixed American, 0.0067%; no homozygotes.

Submission:

PreventionGenetics, part of Exact Sciences
Classification: Uncertain significance for RP1L1-related condition. Last evaluated: 2026-02-03. Review status: criteria provided, single submitter. Criteria: ACMG Guidelines, 2015. Collection method: clinical testing. Allele origin: germline.
Comment: The RP1L1 c.997G>A variant is predicted to result in the amino acid substitution p.Gly333Ser. To our knowledge, this variant has not been reported in the literature. This variant is present in 0.014% of alleles in individuals of Latino descent in gnomAD. At this time, the clinical significance of this variant is uncertain due to the absence of conclusive functional and genetic evidence.

NM_178857.6(RP1L1):c.997G>A (p.Gly333Ser)

Gene: RP1L1 (RP1 like 1). Cytogenetic location: 8p23.1.
Variant type: single nucleotide variant.
Coding change: c.997G>A on transcript NM_178857.6 (MANE Select); coding-DNA position 997, G replaced by A.
Protein change: p.Gly333Ser; replaces glycine 333 with serine.
Molecular consequence: missense variant.
Genome position (GRCh38, 1-based): chr8:10,613,101, C>T on the plus strand (G>A on the coding strand, the complement: RP1L1 is on the minus strand). VCF-style: chr8-10613101-C-T. GRCh37 (hg19) VCF-style: chr8-10470611-C-T.
Other names: short protein forms G333S.
Identifiers: ClinVar variation 4982898 (VCV004982898.1).